The following is an entry in ClinVar:

NM_001370658.1(BTD):c.1042G>A (p.Asp348Asn)

Gene: BTD (biotinidase; plus strand). Cytogenetic location: 3p25.1.
Variant type: single nucleotide variant.
Coding change: c.1042G>A on transcript NM_001370658.1 (MANE Select); coding-DNA position 1042, G replaced by A.
Protein change: p.Asp348Asn; replaces aspartic acid 348 with asparagine.
Molecular consequence: missense variant. On other transcripts: intron variant (8).
Genome position (GRCh38, 1-based): chr3:15,644,958, G>A. VCF-style: chr3-15644958-G-A. GRCh37 (hg19) VCF-style: chr3-15686465-G-A.
Other names: c.1102G>A, p.Asp368Asn (NM_000060.4); c.1102G>A (NM_000060.2); c.1042G>A, p.Asp348Asn (NM_001281723.4, NM_001281724.3, NM_001281725.3 and 16 more transcripts); c.1015+27G>A (NM_001370752.1, NM_001407379.1); c.399+2901G>A (NM_001370753.1, NM_001407400.1, NM_001407380.1 and 3 more transcripts); short protein forms D348N, D368N.
Identifiers: ClinVar variation 664167 (VCV000664167.10), dbSNP rs769903360, ClinGen allele CA2277423.
Genomic context (GRCh38, chr3:15,644,958, plus strand): 5'-GAGAATGCAACAGGTGAAACGGACCCATCCCATAGTAAGTTTTTAAAAATTTTGTCAGGC[G>A]ATCCGTACTGTGAGAAGGATGCTCAGGAAGTCCACTGTGATGAGGCCACCAAGTGGAACG-3'
Protein context (NP_001357587.1, residues 338-358): HSKFLKILSG[Asp348Asn]PYCEKDAQEV

ClinVar aggregate classification (germline): Uncertain significance. Review status: criteria provided, multiple submitters, no conflicts (2 of 4 stars). 3 submissions from 3 submitters: Uncertain significance (2). 1 of the submissions does not count toward it. Last evaluated 2024-12-02.

Conditions:
Biotinidase deficiency. Also called: BTD deficiency; Late-onset biotin-responsive multiple carboxylase deficiency; Biotin deficiency. Identifiers: Orphanet 79241, MedGen C0220754, MONDO:0009665, OMIM 253260.

Allele frequency attached by ClinVar (database versions not stated): ExAC 0.00002; gnomAD exomes 0.00002; TOPMed 0.00003.
gnomAD v4.1: 35 of 1,614,030 alleles (0.0022%); highest among the groups gnomAD compares: Middle Eastern, 0.016%; no homozygotes.

Submissions (3):

Labcorp Genetics (formerly Invitae), Labcorp
Classification: Uncertain significance for Biotinidase deficiency. Last evaluated: 2024-12-02. Review status: criteria provided, single submitter. Criteria: Invitae Variant Classification Sherloc (09022015). Collection method: clinical testing. Allele origin: germline.
Comment: This sequence change replaces aspartic acid, which is acidic and polar, with asparagine, which is neutral and polar, at codon 368 of the BTD protein (p.Asp368Asn). This variant is present in population databases (rs769903360, gnomAD 0.005%). This variant has not been reported in the literature in individuals affected with BTD-related conditions. ClinVar contains an entry for this variant (Variation ID: 664167). Invitae Evidence Modeling of protein sequence and biophysical properties (such as structural, functional, and spatial information, amino acid conservation, physicochemical variation, residue mobility, and thermodynamic stability) has been performed for this missense variant. However, the output from this modeling did not meet the statistical confidence thresholds required to predict the impact of this variant on BTD protein function. In summary, the available evidence is currently insufficient to determine the role of this variant in disease. Therefore, it has been classified as a Variant of Uncertain Significance.

GeneDx
Classification: Uncertain significance. Last evaluated: 2020-01-14. Review status: criteria provided, single submitter. Criteria: GeneDx Variant Classification Process June 2021. Collection method: clinical testing. Allele origin: germline. Affected: yes.
Comment: Has not been previously published as pathogenic or benign to our knowledge; Not observed at a significant frequency in large population cohorts (Lek et al., 2016); The majority of missense variants in this gene are considered pathogenic (Stenson et al., 2014); In silico analysis, which includes protein predictors and evolutionary conservation, supports that this variant does not alter protein structure/function

Natera, Inc.
Classification: Uncertain significance for Biotinidase deficiency. Last evaluated: 2020-04-20. Review status: no assertion criteria provided. Collection method: clinical testing. Allele origin: germline. Not counted in ClinVar's aggregate classification.